The following is an entry in ClinVar:

NM_000270.4(PNP):c.12-1G>C

Gene: PNP (purine nucleoside phosphorylase; plus strand). Cytogenetic location: 14q11.2.
Variant type: single nucleotide variant.
Coding change: c.12-1G>C on transcript NM_000270.4 (MANE Select); the canonical splice acceptor site of the intron before coding-DNA position 12, G replaced by C.
Molecular consequence: splice acceptor variant.
Genome position (GRCh38, 1-based): chr14:20,472,307, G>C. VCF-style: chr14-20472307-G-C. GRCh37 (hg19) VCF-style: chr14-20940466-G-C.
Identifiers: ClinVar variation 1324943 (VCV001324943.5), dbSNP rs2139335095, ClinGen allele CA389143937.
Genomic context (GRCh38, chr14:20,472,307, plus strand): 5'-ATTTGTCTGTGATGCCCTTGGAATGGGAGCAGAATTCACCTTGATATTTTTTCTCCCCCA[G>C]ATACACCTATGAAGATTATAAGAACACTGCAGAATGGCTTCTGTCTCACACTAAGCACCG-3'

ClinVar aggregate classification (germline): Pathogenic/Likely pathogenic. Review status: criteria provided, multiple submitters, no conflicts (2 of 4 stars). 3 submissions from 2 submitters: Pathogenic (1); Likely pathogenic (1). 1 of the submissions does not count toward it. Last evaluated 2024-03-14.

Conditions:
Purine-nucleoside phosphorylase deficiency. Also called: Immunodeficiency due to purine nucleoside phosphorylase deficiency; NUCLEOSIDE PHOSPHORYLASE DEFICIENCY. Identifiers: Orphanet 760, MedGen C0268125, MONDO:0013171, OMIM 613179.

Submissions (3):

Genomic Medicine Center of Excellence, King Faisal Specialist Hospital and Research Centre
Classification: Pathogenic for Immunodeficiency due to purine nucleoside phosphorylase deficiency. Last evaluated: 2024-03-14. Review status: criteria provided, single submitter. Criteria: ACMG Guidelines, 2015. Collection method: clinical testing. Allele origin: germline.

Pathology and Clinical Laboratory Medicine, King Fahad Medical City
Classification: Likely pathogenic for Purine-nucleoside phosphorylase deficiency. Review status: criteria provided, single submitter. Criteria: ACMG Guidelines, 2015. Collection method: clinical testing. Allele origin: germline. Affected: yes. Observed: 2 variant alleles.

Genomic Medicine Center of Excellence, King Faisal Specialist Hospital and Research Centre
Classification: Pathogenic for Purine-nucleoside phosphorylase deficiency. Last evaluated: 2023-05-08. Review status: flagged submission. Criteria: ACMG Guidelines, 2015. Collection method: research. Allele origin: germline. Affected: yes. Not counted in ClinVar's aggregate classification.
ClinVar note: Reason: This record appears to be redundant with a more recent record from the same submitter.
ClinVar note: Notes: SCV003924333 appears to be redundant with SCV005016535.